The following is an entry in ClinVar:

ClinVar aggregate classification (germline): Conflicting classifications of pathogenicity. Review status: criteria provided, conflicting classifications (1 of 4 stars). 15 submissions from 15 submitters: Uncertain significance (1); Benign (3); Likely benign (7). 4 of the submissions do not count toward it. Last evaluated 2026-02-03.

Conditions:
Cardiovascular phenotype. Identifiers: MedGen CN230736.
Cardiomyopathy (CMYO). Also called: Cardiomyopathies. Identifiers: Orphanet 167848, MedGen C0878544, MONDO:0004994, HP:0001638. Inheritance: Various modes of inheritance.
Dilated cardiomyopathy 1DD (CMD1DD). Identifiers: Orphanet 154, MedGen C2750995, MONDO:0013168, OMIM 613172.

Submissions (15):

Labcorp Genetics (formerly Invitae), Labcorp
Classification: Likely benign for Dilated cardiomyopathy 1DD. Last evaluated: 2026-02-03. Review status: criteria provided, single submitter. Criteria: Invitae Variant Classification Sherloc (09022015). Collection method: clinical testing. Allele origin: germline.

Mayo Clinic Laboratories, Mayo Clinic
Classification: Likely benign. Last evaluated: 2025-06-28. Review status: criteria provided, single submitter. Criteria: ACMG Guidelines, 2015. Collection method: clinical testing. Allele origin: germline. Observed: 4 variant alleles.
Comment: BS1, BP4

Molecular Diagnostic Laboratory for Inherited Cardiovascular Disease, Montreal Heart Institute
Classification: Likely benign. Last evaluated: 2025-04-09. Review status: criteria provided, single submitter. Criteria: ACMG Guidelines, 2015. Collection method: clinical testing. Allele origin: germline. Affected: no.

Blueprint Genetics
Classification: Likely benign. Last evaluated: 2024-11-26. Review status: criteria provided, single submitter. Criteria: ACMG Guidelines, 2015. Collection method: clinical testing. Allele origin: germline.

CeGaT Center for Human Genetics Tuebingen
Classification: Benign. Last evaluated: 2024-07-01. Review status: criteria provided, single submitter. Criteria: CeGaT Center For Human Genetics Tuebingen Variant Classification Criteria Version 2. Collection method: clinical testing. Allele origin: germline. Affected: yes. Observed: 2 variant alleles.
Comment: RBM20: BP4, BS1, BS2

Center for Genomics, Ann and Robert H. Lurie Children's Hospital of Chicago
Classification: Uncertain significance for Dilated cardiomyopathy 1DD. Last evaluated: 2021-03-30. Review status: criteria provided, single submitter. Criteria: ACMG Guidelines, 2015. Collection method: clinical testing. Allele origin: germline.
Comment: RBM20 NM_001134363.2 exon 8 c.1880+4_1880+6dup: This variant has been reported in the literature in at least one individual with DCM (Haas 2015 PMID:25163546). However, this variant is also present in 0.2% (177/75818) of European alleles in the Genome Aggregation Database, including 2 homozygotes and is present in ClinVar, with several labs classifying this variant as likely benign (Variation ID:43978). Evolutionary conservation and computational predictive tools for this variant are limited or unavailable. Although this variant occurs in the splice region, computational prediction tools do not suggest that it alters splicing. However, further studies are needed to understand its impact. In summary, data on this variant is insufficient for disease classification. Therefore, the clinical significance of this variant is uncertain.

Women's Health and Genetics/Laboratory Corporation of America, LabCorp
Classification: Benign. Last evaluated: 2021-03-01. Review status: criteria provided, single submitter. Criteria: LabCorp Variant Classification Summary - May 2015. Collection method: clinical testing. Allele origin: germline.
Comment: Variant summary: RBM20 c.1880+4_1880+6dupAGG alters a nucleotide located close to a canonical splice site and therefore could affect mRNA splicing, leading to a significantly altered protein sequence. 4/4 computational tools predict no significant impact on normal splicing. However, these predictions have yet to be confirmed by functional studies. The variant allele was found at a frequency of 0.0011 in 156316 control chromosomes in the gnomAD database, including 1 homozygote. The observed variant frequency is approximately 22 fold of the estimated maximal expected allele frequency for a pathogenic variant in RBM20 causing Dilated Cardiomyopathy phenotype (4.7e-05), strongly suggesting that the variant is benign. c.1880+4_1880+6dupAGG has been reported in the literature in sequencing studies reporting individuals affected with sporadic or familial Dialated Cardiomyopathy (example, Haas_2015). These report(s) do not provide unequivocal conclusions about association of the variant with Dilated Cardiomyopathy. To our knowledge, no experimental evidence demonstrating an impact on protein function has been reported. Five clinical diagnostic laboratories have submitted clinical-significance assessments for this variant to ClinVar after 2014 without evidence for independent evaluation (VUS, n=1; likely benign, n=3, benign, n=1). One submitter reports this variant as having co-occurred with another pathogenic variant that clearly explained the patient phenotype. Based on the evidence outlined above, the variant was classified as benign.

GeneDx
Classification: Likely benign. Last evaluated: 2021-01-13. Review status: criteria provided, single submitter. Criteria: GeneDx Variant Classification Process June 2021. Collection method: clinical testing. Allele origin: germline. Affected: yes.
Comment: This variant is associated with the following publications: (PMID: 25163546)

Laboratory for Molecular Medicine, Mass General Brigham Personalized Medicine
Classification: Likely benign. Last evaluated: 2020-01-10. Review status: criteria provided, single submitter. Criteria: ACMG Guidelines, 2015. Collection method: clinical testing. Allele origin: germline.
Comment: The c.1880+4_1880+6dupAGG variant in RBM20 is classified as likely benign because it has been identified in 0.2% (177/75818) of European chromosomes by gnomAD. ACMG/AMP Criteria applied: BS1.

CHEO Genetics Diagnostic Laboratory, Children's Hospital of Eastern Ontario
Classification: Benign for Cardiomyopathy. Last evaluated: 2019-03-22. Review status: criteria provided, single submitter. Criteria: ACMG Guidelines, 2015. Collection method: clinical testing. Allele origin: germline.

Ambry Genetics
Classification: Likely benign for Cardiovascular phenotype. Last evaluated: 2018-05-30. Review status: criteria provided, single submitter. Criteria: Ambry Variant Classification Scheme 2023. Collection method: clinical testing. Allele origin: germline.

Clinical Genetics DNA and cytogenetics Diagnostics Lab, Erasmus MC, Erasmus Medical Center
Classification: Likely benign. Review status: no assertion criteria provided. Collection method: clinical testing. Allele origin: germline. Affected: yes. Study: VKGL Data-share Consensus. Not counted in ClinVar's aggregate classification.

Clinical Genetics, Academic Medical Center
Classification: Benign. Review status: no assertion criteria provided. Collection method: clinical testing. Allele origin: germline. Affected: yes. Study: VKGL Data-share Consensus. Not counted in ClinVar's aggregate classification.

Diagnostic Laboratory, Department of Genetics, University Medical Center Groningen
Classification: Likely benign. Review status: no assertion criteria provided. Collection method: clinical testing. Allele origin: germline. Affected: yes. Study: VKGL Data-share Consensus. Not counted in ClinVar's aggregate classification.

Genome Diagnostics Laboratory, University Medical Center Utrecht
Classification: Benign. Review status: no assertion criteria provided. Collection method: clinical testing. Allele origin: germline. Affected: yes. Study: VKGL Data-share Consensus. Not counted in ClinVar's aggregate classification.

Literature cited by the submitters: PubMed 25163546 (cited by Mayo Clinic Laboratories, Mayo Clinic and Women's Health and Genetics/Laboratory Corporation of America, LabCorp).

NM_001134363.3(RBM20):c.1880+4_1880+6dup

Gene: RBM20 (RNA binding motif protein 20; plus strand). Cytogenetic location: 10q25.2.
Variant type: Duplication.
Coding change: c.1880+4_1880+6dup on transcript NM_001134363.3 (MANE Select); bases 4 to 6 of the intron after coding-DNA position 1880, 3 bases duplicated (AGG; older notation c.1880+4_1880+6dupAGG).
Molecular consequence: intron variant.
Genome position (GRCh38, 1-based): chr10:110,810,466-110,810,468, AGG duplicated; duplicating any 3 consecutive bases within chr10:110,810,465-110,810,468 gives the same sequence; the c. name uses the placement nearest the transcript's 3' end. VCF-style (leftmost placement, unchanged base first): chr10-110810464-T-TGAG. GRCh37 (hg19) VCF-style: chr10-112570222-T-TGAG.
Other names: p.?; c.1880+4_1880+6dup (LRG_382t1, NM_001134363.1, NM_001134363.2); c.1880+3_1880+5dupGAG (NM_001134363.1).
Identifiers: ClinVar variation 43978 (VCV000043978.63), dbSNP rs397516597, ClinGen allele CA133284.